The following is an entry in ClinVar:

ClinVar aggregate classification (germline): Pathogenic (1 of 4 stars; one submission).

Submission:

Labcorp Genetics (formerly Invitae), Labcorp
Classification: Pathogenic. Last evaluated: 2024-09-19. Review status: criteria provided, single submitter. Criteria: Invitae Variant Classification Sherloc (09022015). Collection method: clinical testing. Allele origin: germline.
Comment: This sequence change creates a premature translational stop signal (p.Gly315Serfs*186) in the ARID1B gene. It is expected to result in an absent or disrupted protein product. Loss-of-function variants in ARID1B are known to be pathogenic (PMID: 25674384, 30349098). The frequency data for this variant in the population databases is considered unreliable, as metrics indicate insufficient coverage at this position in the gnomAD database. This variant has not been reported in the literature in individuals affected with ARID1B-related conditions. For these reasons, this variant has been classified as Pathogenic.

Literature cited by the submitters: PubMed 25674384; PubMed 30349098.

NM_001374828.1(ARID1B):c.1192_1292del (p.Gly398fs)

Gene: ARID1B (AT-rich interaction domain 1B; plus strand). Cytogenetic location: 6q25.3.
Variant type: Deletion.
Coding change: c.1192_1292del on transcript NM_001374828.1 (MANE Select); coding-DNA positions 1192 to 1292, 101 bases deleted.
Protein change: p.Gly398fs; shifts the reading frame from glycine 398.
Molecular consequence: frameshift variant.
Genome position (GRCh38, 1-based): chr6:156,778,872-156,778,972, 101 bases deleted. GRCh37 (hg19): chr6:157,100,006-157,100,106.
Other names: c.1192_1292del, p.Gly398fs (NM_001371656.1, NM_001374820.1, NM_017519.3); short protein forms G398fs.
Identifiers: ClinVar variation 3719968 (VCV003719968.2).